The following is an entry in ClinVar:

NM_032444.4(SLX4):c.4496G>A (p.Gly1499Glu)

Gene: SLX4 (SLX4 structure-specific endonuclease subunit; minus strand). Cytogenetic location: 16p13.3.
Variant type: single nucleotide variant.
Coding change: c.4496G>A on transcript NM_032444.4 (MANE Select); coding-DNA position 4496, G replaced by A.
Protein change: p.Gly1499Glu; replaces glycine 1499 with glutamic acid.
Molecular consequence: missense variant.
Genome position (GRCh38, 1-based): chr16:3,589,142, C>T on the plus strand (G>A on the coding strand, the complement: SLX4 is on the minus strand). VCF-style: chr16-3589142-C-T. GRCh37 (hg19) VCF-style: chr16-3639143-C-T.
Other names: short protein forms G1499E.
Identifiers: ClinVar variation 1460592 (VCV001460592.6), dbSNP rs1231411840, ClinGen allele CA394517023.
Genomic context (GRCh38, chr16:3,589,142, plus strand): 5'-TGCTCTTCCCCGTCCCAAACGTCCCACAGAGCCGAATTCAGAAAGCTCGGCCTGCTATTC[C>T]CCAGGGAGCCCGCGCCCGAGGACTTCTCTTGCAATTTCCTCTGGGTAGTGCAGCTTCCTC-3'
Protein context (NP_115820.2, residues 1489-1509): QEKSSGAGSL[Gly1499Glu]NSRPSFLNSA

ClinVar aggregate classification (germline): Uncertain significance (1 of 4 stars; one submission).

Conditions:
Fanconi anemia (FA). Also called: Fanconi's anemia. Identifiers: Orphanet 84, MedGen C0015625, MeSH D005199, MONDO:0019391.

Allele frequency attached by ClinVar (database versions not stated): gnomAD exomes below 0.00001 and 0.00001; TOPMed below 0.00001; gnomAD 0.00001.
gnomAD v4.1: 12 of 1,614,008 alleles (0.00074%); highest among the groups gnomAD compares: Non-Finnish European, 0.001%; no homozygotes.

Submission:

Labcorp Genetics (formerly Invitae), Labcorp
Classification: Uncertain significance for Fanconi anemia. Last evaluated: 2023-10-03. Review status: criteria provided, single submitter. Criteria: Invitae Variant Classification Sherloc (09022015). Collection method: clinical testing. Allele origin: germline.
Comment: This sequence change replaces glycine, which is neutral and non-polar, with glutamic acid, which is acidic and polar, at codon 1499 of the SLX4 protein (p.Gly1499Glu). This variant is present in population databases (no rsID available, gnomAD 0.0009%). This variant has not been reported in the literature in individuals affected with SLX4-related conditions. ClinVar contains an entry for this variant (Variation ID: 1460592). Algorithms developed to predict the effect of missense changes on protein structure and function output the following: SIFT: "Not Available"; PolyPhen-2: "Benign"; Align-GVGD: "Not Available". The glutamic acid amino acid residue is found in multiple mammalian species, which suggests that this missense change does not adversely affect protein function. In summary, the available evidence is currently insufficient to determine the role of this variant in disease. Therefore, it has been classified as a Variant of Uncertain Significance.